The following is an entry in ClinVar:

ClinVar aggregate classification (germline): Likely benign. Review status: criteria provided, multiple submitters, no conflicts (2 of 4 stars). 2 submissions from 2 submitters: Likely benign (2). Last evaluated 2025-07-21.

Conditions:
Hypertrophic cardiomyopathy. Also called: HYPERTROPHIC MYOCARDIOPATHY. Identifiers: Orphanet 217569, MedGen C0007194, MeSH D002312, MONDO:0005045, HP:0001639.

Allele frequency attached by ClinVar (database versions not stated): gnomAD exomes below 0.00001.
gnomAD v4.1: 4 of 1,613,840 alleles (0.00025%); highest among the groups gnomAD compares: Non-Finnish European, 0.00025%; no homozygotes.

Submissions (2):

Labcorp Genetics (formerly Invitae), Labcorp
Classification: Likely benign for Hypertrophic cardiomyopathy. Last evaluated: 2025-07-21. Review status: criteria provided, single submitter. Criteria: Invitae Variant Classification Sherloc (09022015). Collection method: clinical testing. Allele origin: germline.

All of Us Research Program, National Institutes of Health
Classification: Likely benign for Hypertrophic cardiomyopathy. Last evaluated: 2024-03-24. Review status: criteria provided, single submitter. Criteria: ACMG Guidelines, 2015. Collection method: clinical testing. Allele origin: germline. Inheritance: Autosomal dominant inheritance. Observed: 1 variant allele, 1 heterozygote.
Comment: This study involves interpretation of variants in research participants for the purpose of population health screening. Participant phenotype was not available at the time of variant classification. Additional details can be found in publication PMID: 35346344, PMCID: PMC8962531

NM_001018005.2(TPM1):c.846T>G (p.Thr282=)

Gene: TPM1 (tropomyosin 1; plus strand). Cytogenetic location: 15q22.2.
Variant type: single nucleotide variant.
Coding change: c.846T>G on transcript NM_001018005.2 (MANE Select); coding-DNA position 846, T replaced by G.
Protein change: p.Thr282=; no amino-acid change (threonine 282 retained).
Molecular consequence: synonymous variant. On other transcripts: 3 prime UTR variant (3), non-coding transcript variant (7), intron variant (18).
Genome position (GRCh38, 1-based): chr15:63,064,137, T>G. VCF-style: chr15-63064137-T-G. GRCh37 (hg19) VCF-style: chr15-63356336-T-G.
Other names: c.846T>G, p.Thr282= (NM_000366.6, NM_001301244.2, NM_001365779.1 and 8 more transcripts); c.738T>G, p.Thr246= (NM_001330346.2, NM_001365781.2, NM_001365782.1 and 1 more transcripts); c.972T>G, p.Thr324= (NM_001407322.1, NM_001407323.1, NM_001407324.1); c.*1328T>G (NM_001407325.1, NM_001407340.1, NM_001407341.1); c.898+1492T>G (NM_001365778.1); c.772+1492T>G (NM_001407336.1, NM_001018020.2, NM_001407338.1 and 8 more transcripts); c.664+1492T>G (NM_001330351.2, NM_001330344.2, NM_001018008.2 and 3 more transcripts).
Identifiers: ClinVar variation 1945727 (VCV001945727.4), dbSNP rs2542884444, ClinGen allele CA490693207.
Genomic context (GRCh38, chr15:63,064,137, plus strand): 5'-TCAGAAACTGAAGTACAAAGCCATCAGCGAGGAGCTGGACCACGCTCTCAACGATATGAC[T>G]TCCATGTAAACGTTCATCCACTCTGCCTGCTTACACCCTGCCCTCATGCTAATGTAATAA-3'
Protein context (NP_001018005.1, residues 272-284): EELDHALNDM[Thr282=]SI